The following is an entry in ClinVar:

ClinVar aggregate classification (germline): Uncertain significance (1 of 4 stars; one submission).

gnomAD v4.1: 1 of 1,614,108 alleles (0.000062%); highest among the groups gnomAD compares: Non-Finnish European, 0.000085%; no homozygotes.

Submission:

GeneDx
Classification: Uncertain significance. Last evaluated: 2024-05-28. Review status: criteria provided, single submitter. Criteria: GeneDx Variant Classification Process June 2021. Collection method: clinical testing. Allele origin: germline. Affected: yes.
Comment: Not observed at significant frequency in large population cohorts (gnomAD); In silico analysis supports that this missense variant has a deleterious effect on protein structure/function; Has not been previously published as pathogenic or benign to our knowledge

NM_000875.5(IGF1R):c.3608G>T (p.Trp1203Leu)

Gene: IGF1R (insulin like growth factor 1 receptor; plus strand). Cytogenetic location: 15q26.3.
Variant type: single nucleotide variant.
Coding change: c.3608G>T on transcript NM_000875.5 (MANE Select); coding-DNA position 3608, G replaced by T.
Protein change: p.Trp1203Leu; replaces tryptophan 1203 with leucine.
Molecular consequence: missense variant.
Genome position (GRCh38, 1-based): chr15:98,948,594, G>T. VCF-style: chr15-98948594-G-T. GRCh37 (hg19) VCF-style: chr15-99491823-G-T.
Other names: c.3605G>T, p.Trp1202Leu (NM_001291858.2); short protein forms W1202L, W1203L.
Identifiers: ClinVar variation 3383453 (VCV003383453.1).